The following is an entry in ClinVar:

ClinVar aggregate classification (germline): Likely pathogenic (1 of 4 stars; one submission).

Conditions:
Congenital lactic acidosis, Saguenay-Lac-Saint-Jean type (MC4DN5). Also called: CYTOCHROME c OXIDASE DEFICIENCY, FRENCH CANADIAN TYPE; COX DEFICIENCY, FRENCH CANADIAN TYPE; MITOCHONDRIAL COMPLEX IV DEFICIENCY, NUCLEAR TYPE 5. Identifiers: Orphanet 70472, MedGen C1857355, MONDO:0009069, OMIM 220111.

Submission:

Myriad Genetics, Inc.
Classification: Likely pathogenic for Congenital lactic acidosis, Saguenay-Lac-Saint-Jean type. Last evaluated: 2021-12-30. Review status: criteria provided, single submitter. Criteria: Myriad Women's Health Autosomal Recessive and X-Linked Classification Criteria (2021). Collection method: clinical testing. Allele origin: unknown.
Comment: NM_133259.3(LRPPRC):c.508A>T(K170*) is expected to be pathogenic in the context of Leigh syndrome, French-Canadian type. This variant is predicted to lead to an abnormal or absent protein product due to the creation of a premature termination codon in LRPPRC, a gene where loss-of-function variants are known to be pathogenic. Please note: this variant was assessed in the context of healthy population screening.

NM_133259.4(LRPPRC):c.508A>T (p.Lys170Ter)

Gene: LRPPRC (leucine rich pentatricopeptide repeat containing; minus strand). Cytogenetic location: 2p21.
Variant type: single nucleotide variant.
Coding change: c.508A>T on transcript NM_133259.4 (MANE Select); coding-DNA position 508, A replaced by T.
Protein change: p.Lys170Ter; replaces lysine 170 with a stop codon.
Molecular consequence: nonsense.
Genome position (GRCh38, 1-based): chr2:43,977,238, T>A on the plus strand (A>T on the coding strand, the complement: LRPPRC is on the minus strand). VCF-style: chr2-43977238-T-A. GRCh37 (hg19) VCF-style: chr2-44204377-T-A.
Other names: short protein forms K170*.
Identifiers: ClinVar variation 1726705 (VCV001726705.2), dbSNP rs2466676961, ClinGen allele CA346676061.